The following is an entry in ClinVar:

NM_020366.4(RPGRIP1):c.3748+1G>T

Gene: RPGRIP1 (RPGR interacting protein 1; plus strand). Cytogenetic location: 14q11.2.
Variant type: single nucleotide variant.
Coding change: c.3748+1G>T on transcript NM_020366.4 (MANE Select); the canonical splice donor site of the intron after coding-DNA position 3748, G replaced by T.
Molecular consequence: splice donor variant.
Genome position (GRCh38, 1-based): chr14:21,348,303, G>T. VCF-style: chr14-21348303-G-T. GRCh37 (hg19) VCF-style: chr14-21816462-G-T.
Other names: c.2674+1G>T (NM_001377948.1); c.1834+1G>T (NM_001377949.1); c.1726+1G>T (NM_001377523.1, NM_001377950.1); c.1231+1G>T (NM_001377951.1).
Identifiers: ClinVar variation 4538470 (VCV004538470.1).

ClinVar aggregate classification (germline): Pathogenic (1 of 4 stars; one submission).

Conditions:
Leber congenital amaurosis 6 (LCA6). Identifiers: Orphanet 65, MedGen C1854260, MONDO:0013446, OMIM 613826.

Submission:

Research Institute for Ophthalmology and Vision Science, Shahid Beheshti University of Medical Sciences
Classification: Pathogenic for Leber congenital amaurosis 6. Last evaluated: 2025-12-10. Review status: criteria provided, single submitter. Criteria: ACMG Guidelines, 2015. Collection method: research. Allele origin: inherited. Inheritance: Autosomal recessive inheritance. Affected: yes.
Comment: NM_020366.4:c.3748+1 is a Null variant absent from gnomAD databases. It has been found in a homozygous state in patients and co-segregates with the disease in multiple affected family members.